The following is an entry in ClinVar:

NM_020975.6(RET):c.2153A>T (p.Glu718Val)

Gene: RET (ret proto-oncogene; plus strand). Cytogenetic location: 10q11.21.
Variant type: single nucleotide variant.
Coding change: c.2153A>T on transcript NM_020975.6 (MANE Select); coding-DNA position 2153, A replaced by T.
Protein change: p.Glu718Val; replaces glutamic acid 718 with valine.
Molecular consequence: missense variant.
Genome position (GRCh38, 1-based): chr10:43,116,600, A>T. VCF-style: chr10-43116600-A-T. GRCh37 (hg19) VCF-style: chr10-43612048-A-T.
Other names: c.1391A>T, p.Glu464Val (NM_001355216.2); c.2153A>T, p.Glu718Val (NM_001406743.1, NM_001406744.1, NM_001406759.1 and 2 more transcripts); c.2024A>T, p.Glu675Val (NM_001406761.1, NM_001406762.1, NM_001406764.1); c.2018A>T, p.Glu673Val (NM_001406763.1, NM_001406765.1); c.1865A>T, p.Glu622Val (NM_001406766.1, NM_001406767.1, NM_001406770.1); c.1889A>T, p.Glu630Val (NM_001406768.1); c.1757A>T, p.Glu586Val (NM_001406769.1, NM_001406772.1); c.1715A>T, p.Glu572Val (NM_001406771.1, NM_001406773.1); and 10 more; short protein forms E235V, E283V, E379V, E586V, E630V, E675V, E323V, E374V.
Identifiers: ClinVar variation 3313750 (VCV003313750.1).

ClinVar aggregate classification (germline): Uncertain significance (1 of 4 stars; one submission).

Conditions:
Hereditary cancer-predisposing syndrome. Also called: Neoplastic Syndromes, Hereditary; Tumor predisposition; Hereditary neoplastic syndrome; Hereditary Cancer Syndrome. Identifiers: Orphanet 140162, MedGen C0027672, MeSH D009386, MONDO:0015356.

Submission:

Ambry Genetics
Classification: Uncertain significance for Hereditary cancer-predisposing syndrome. Last evaluated: 2024-06-17. Review status: criteria provided, single submitter. Criteria: Ambry Variant Classification Scheme 2023. Collection method: clinical testing. Allele origin: germline.
Comment: The p.E718V variant (also known as c.2153A>T), located in coding exon 12 of the RET gene, results from an A to T substitution at nucleotide position 2153. The glutamic acid at codon 718 is replaced by valine, an amino acid with dissimilar properties. This amino acid position is conserved. In addition, this alteration is predicted to be deleterious by in silico analysis. Based on the available evidence, the clinical significance of this variant remains unclear.